The following is an entry in ClinVar:

ClinVar aggregate classification (germline): Uncertain significance. Review status: criteria provided, multiple submitters, no conflicts (2 of 4 stars). 2 submissions from 2 submitters: Uncertain significance (2). Last evaluated 2026-03-10.

Conditions:
PCNT-related disorder. Also called: PCNT-related condition.
Inborn genetic diseases. Identifiers: MedGen C0950123, MeSH D030342.

gnomAD v4.1: 38 of 1,614,072 alleles (0.0024%); highest among the groups gnomAD compares: East Asian, 0.0045%; no homozygotes.

Submissions (2):

PreventionGenetics, part of Exact Sciences
Classification: Uncertain significance for PCNT-related condition. Last evaluated: 2026-03-10. Review status: criteria provided, single submitter. Criteria: ACMG Guidelines, 2015. Collection method: clinical testing. Allele origin: germline.
Comment: The PCNT c.8828C>T variant is predicted to result in the amino acid substitution p.Ser2943Leu. To our knowledge, this variant has not been reported in the literature. This variant is reported in 0.060% of alleles in individuals of Ashkenazi Jewish descent in gnomAD. At this time, the clinical significance of this variant is uncertain due to the absence of conclusive functional and genetic evidence.

Ambry Genetics
Classification: Uncertain significance for Inborn genetic diseases. Last evaluated: 2024-05-16. Review status: criteria provided, single submitter. Criteria: Ambry Variant Classification Scheme 2023. Collection method: clinical testing. Allele origin: germline.

NM_006031.6(PCNT):c.8828C>T (p.Ser2943Leu)

Gene: PCNT (pericentrin; plus strand). Cytogenetic location: 21q22.3.
Variant type: single nucleotide variant.
Coding change: c.8828C>T on transcript NM_006031.6 (MANE Select); coding-DNA position 8828, C replaced by T.
Protein change: p.Ser2943Leu; replaces serine 2943 with leucine.
Molecular consequence: missense variant.
Genome position (GRCh38, 1-based): chr21:46,435,980, C>T. VCF-style: chr21-46435980-C-T. GRCh37 (hg19) VCF-style: chr21-47855893-C-T.
Other names: c.8237C>T, p.Ser2746Leu (NM_001315529.2); short protein forms S2746L, S2943L.
Identifiers: ClinVar variation 3305198 (VCV003305198.2).